The following is an entry in ClinVar:

ClinVar aggregate classification (germline): Pathogenic (1 of 4 stars; one submission).

Conditions:
Epidermodysplasia verruciformis. Identifiers: Orphanet 302, MedGen C0014522, MONDO:0009176.

Submission:

Labcorp Genetics (formerly Invitae), Labcorp
Classification: Pathogenic for Epidermodysplasia verruciformis. Last evaluated: 2022-08-10. Review status: criteria provided, single submitter. Criteria: Invitae Variant Classification Sherloc (09022015). Collection method: clinical testing. Allele origin: germline.
Comment: For these reasons, this variant has been classified as Pathogenic. ClinVar contains an entry for this variant (Variation ID: 1419566). This variant has not been reported in the literature in individuals affected with TMC8-related conditions. This variant is not present in population databases (gnomAD no frequency). This sequence change creates a premature translational stop signal (p.Leu300Cysfs*75) in the TMC8 gene. It is expected to result in an absent or disrupted protein product. Loss-of-function variants in TMC8 are known to be pathogenic (PMID: 12426567, 22158547).

Literature cited by the submitters: PubMed 12426567; PubMed 22158547.

NM_152468.5(TMC8):c.898del (p.Leu300fs)

Gene: TMC8 (transmembrane channel like 8; plus strand). Cytogenetic location: 17q25.3.
Variant type: Deletion.
Coding change: c.898del on transcript NM_152468.5 (MANE Select); coding-DNA position 898, one base deleted (C; older notation c.898delC).
Protein change: p.Leu300fs; shifts the reading frame from leucine 300.
Molecular consequence: frameshift variant.
Genome position (GRCh38, 1-based): chr17:78,134,475, C deleted; the last of 2 consecutive C bases (chr17:78,134,474-78,134,475); deleting either gives the same sequence. VCF-style (leftmost placement, unchanged base first): chr17-78134473-AC-A. GRCh37 (hg19) VCF-style: chr17-76130554-AC-A.
Other names: short protein forms L300fs.
Identifiers: ClinVar variation 1419566 (VCV001419566.6), dbSNP rs2145662712, ClinGen allele CA2573154886.